The following is an entry in ClinVar:

NM_000053.4(ATP7B):c.2121+4T>C

Gene: ATP7B (ATPase copper transporting beta; minus strand). Cytogenetic location: 13q14.3.
Variant type: single nucleotide variant.
Coding change: c.2121+4T>C on transcript NM_000053.4 (MANE Select); 4 bases into the intron after coding-DNA position 2121, T replaced by C.
Molecular consequence: intron variant.
Genome position (GRCh38, 1-based): chr13:51,960,144, A>G on the plus strand (T>C on the coding strand, the complement: ATP7B is on the minus strand). VCF-style: chr13-51960144-A-G. GRCh37 (hg19) VCF-style: chr13-52534280-A-G.
Other names: c.1788+4T>C (NM_001243182.2); c.1870-2537T>C (NM_001005918.3); c.1870-1600T>C (NM_001330579.2); c.2121+4T>C (NM_001330578.2).
Identifiers: ClinVar variation 2148514 (VCV002148514.2), dbSNP rs376318728, ClinGen allele CA6989116.

ClinVar aggregate classification (germline): Uncertain significance. Review status: criteria provided, multiple submitters, no conflicts (2 of 4 stars). 2 submissions from 2 submitters: Uncertain significance (2). Last evaluated 2024-05-22.

Conditions:
Wilson disease (WND). Also called: Wilson's disease. Identifiers: Orphanet 905, MedGen C0019202, MONDO:0010200, OMIM 277900. Disease mechanism: loss of function.

Allele frequency attached by ClinVar (database versions not stated): ExAC 0.00001; gnomAD 0.00001; gnomAD exomes 0.00001; TOPMed 0.00001; ESP Exome Variant Server 0.00008.
gnomAD v4.1: 11 of 1,613,296 alleles (0.00068%); highest among the groups gnomAD compares: Non-Finnish European, 0.00093%; no homozygotes.

Submissions (2):

Fulgent Genetics
Classification: Uncertain significance for Wilson disease. Last evaluated: 2024-05-22. Review status: criteria provided, single submitter. Criteria: ACMG Guidelines, 2015. Collection method: clinical testing. Allele origin: germline.

Labcorp Genetics (formerly Invitae), Labcorp
Classification: Uncertain significance for Wilson disease. Last evaluated: 2021-09-15. Review status: criteria provided, single submitter. Criteria: Invitae Variant Classification Sherloc (09022015). Collection method: clinical testing. Allele origin: germline.
Comment: This sequence change falls in intron 7 of the ATP7B gene. It does not directly change the encoded amino acid sequence of the ATP7B protein. It affects a nucleotide within the consensus splice site of the intron. This variant is present in population databases (rs376318728, ExAC 0.001%). This variant has not been reported in the literature in individuals with ATP7B-related conditions. Nucleotide substitutions within the consensus splice site are a relatively common cause of aberrant splicing (PMID: 17576681, 9536098). Algorithms developed to predict the effect of sequence changes on RNA splicing suggest that this variant is not likely to affect RNA splicing, but this prediction has not been confirmed by published transcriptional studies. In summary, the available evidence is currently insufficient to determine the role of this variant in disease. Therefore, it has been classified as a Variant of Uncertain Significance.

Literature cited by the submitters: PubMed 17576681 (cited by Labcorp Genetics (formerly Invitae), Labcorp); PubMed 9536098 (cited by Labcorp Genetics (formerly Invitae), Labcorp).